The following is an entry in ClinVar:

ClinVar aggregate classification (germline): Pathogenic (1 of 4 stars; one submission).

Conditions:
Familial adenomatous polyposis 1 (FAP1). Also called: POLYPOSIS, ADENOMATOUS INTESTINAL; FAMILIAL ADENOMATOUS POLYPOSIS 1, ATTENUATED. Identifiers: MedGen C2713442, MONDO:0021056, OMIM 175100. Disease mechanism: loss of function.

Submission:

Labcorp Genetics (formerly Invitae), Labcorp
Classification: Pathogenic for Familial adenomatous polyposis 1. Last evaluated: 2020-06-10. Review status: criteria provided, single submitter. Criteria: Invitae Variant Classification Sherloc (09022015). Collection method: clinical testing. Allele origin: germline.
Comment: This variant is expected to disrupt the EB1 and HDLG binding sites, which mediate interactions with the cytoskeleton (PMID: 15311282, 17293347). While functional studies have not been performed to directly test the effect on APC protein function, this suggests that disruption of the C-terminal portion of the protein is functionally important. For these reasons, this variant has been classified as Pathogenic. This variant has not been reported in the literature in individuals with APC-related disease. This sequence change inserts an Alu element in exon 16 of the APC mRNA (c.4582_4583insAlu), resulting in a frameshift at codon 1528 (p.Val1528fs). While this is not anticipated to result in nonsense mediated decay, it is expected to disrupt the last 1316 amino acids of the APC protein. A different truncation (p.Tyr2645Lysfs*14) that lies downstream of this variant has been determined to be pathogenic (PMID: 9824584, 1316610, 27081525, 8381579, 22135120, Invitae). This suggests that deletion of this region of the APC protein is causative of disease.

Literature cited by the submitters: PubMed 15311282; PubMed 17293347; PubMed 9824584; PubMed 1316610; PubMed 27081525; PubMed 8381579; PubMed 22135120.

NM_000038.6(APC):c.4582_4583insGCCGGGCGCGGTGGCTCACGCCTGTAATCCCAGCACTTTGGGAGGCCGAGGCGGGCGGATCACGAGGTCAGGAGATCGAGGCNNNNNNNNNNAAAAAAAAAAAAGAATAATGCCTCCAG (p.Val1528delinsGlyArgAlaArgTrpLeuThrProValIleProAlaLeuTrpGluAlaGluAlaGlyGlySerArgGlyGlnGluIleGluAlaXaaXaaXaaLysLysLysLysGluTer)

Gene: APC (APC regulator of Wnt signaling pathway; plus strand). Cytogenetic location: 5q22.2.
Variant type: Insertion.
Coding change: c.4582_4583insGCCGGGCGCGGTGGCTCACGCCTGTAATCCCAGCACTTTGGGAGGCCGAGGCGGGCGGATCACGAGGTCAGGAGATCGAGGCNNNNNNNNNNAAAAAAAAAAAAGAATAATGCCTCCAG on transcript NM_000038.6 (MANE Select); coding-DNA positions 4582 to 4583, GCCGGGCGCGGTGGCTCACGCCTGTAATCCCAGCACTTTGGGAGGCCGAGGCGGGCGGATCACGAGGTCAGGAGATCGAGGCNNNNNNNNNNAAAAAAAAAAAAGAATAATGCCTCCAG inserted.
Protein change: p.Val1528delinsGlyArgAlaArgTrpLeuThrProValIleProAlaLeuTrpGluAlaGluAlaGlyGlySerArgGlyGlnGluIleGluAlaXaaXaaXaaLysLysLysLysGluTer.
Molecular consequence: nonsense.
Genome position: GRCh38: chr5:112,840,176-112,840,177. GRCh37 (hg19): chr5:112,175,873-112,175,874.
Other names: c.4582_4583insGCCGGGCGCGGTGGCTCACGCCTGTAATCCCAGCACTTTGGGAGGCCGAGGCGGGCGGATCACGAGGTCAGGAGATCGAGGCNNNNNNNNNNAAAAAAAAAAAAGAATAATGCCTCCAG, p.Val1528delinsGlyArgAlaArgTrpLeuThrProValIleProAlaLeuTrpGluAlaGluAlaGlyGlySerArgGlyGlnGluIleGluAlaXaaXaaXaaLysLysLysLysGluTer (NM_001127510.3, NM_001354895.2); c.4528_4529insGCCGGGCGCGGTGGCTCACGCCTGTAATCCCAGCACTTTGGGAGGCCGAGGCGGGCGGATCACGAGGTCAGGAGATCGAGGCNNNNNNNNNNAAAAAAAAAAAAGAATAATGCCTCCAG, p.Val1510delinsGlyArgAlaArgTrpLeuThrProValIleProAlaLeuTrpGluAlaGluAlaGlyGlySerArgGlyGlnGluIleGluAlaXaaXaaXaaLysLysLysLysGluTer (NM_001127511.3); c.4636_4637insGCCGGGCGCGGTGGCTCACGCCTGTAATCCCAGCACTTTGGGAGGCCGAGGCGGGCGGATCACGAGGTCAGGAGATCGAGGCNNNNNNNNNNAAAAAAAAAAAAGAATAATGCCTCCAG, p.Val1546delinsGlyArgAlaArgTrpLeuThrProValIleProAlaLeuTrpGluAlaGluAlaGlyGlySerArgGlyGlnGluIleGluAlaXaaXaaXaaLysLysLysLysGluTer (NM_001354896.2); c.4612_4613insGCCGGGCGCGGTGGCTCACGCCTGTAATCCCAGCACTTTGGGAGGCCGAGGCGGGCGGATCACGAGGTCAGGAGATCGAGGCNNNNNNNNNNAAAAAAAAAAAAGAATAATGCCTCCAG, p.Val1538delinsGlyArgAlaArgTrpLeuThrProValIleProAlaLeuTrpGluAlaGluAlaGlyGlySerArgGlyGlnGluIleGluAlaXaaXaaXaaLysLysLysLysGluTer (NM_001354897.2); c.4507_4508insGCCGGGCGCGGTGGCTCACGCCTGTAATCCCAGCACTTTGGGAGGCCGAGGCGGGCGGATCACGAGGTCAGGAGATCGAGGCNNNNNNNNNNAAAAAAAAAAAAGAATAATGCCTCCAG, p.Val1503delinsGlyArgAlaArgTrpLeuThrProValIleProAlaLeuTrpGluAlaGluAlaGlyGlySerArgGlyGlnGluIleGluAlaXaaXaaXaaLysLysLysLysGluTer (NM_001354898.2); c.4498_4499insGCCGGGCGCGGTGGCTCACGCCTGTAATCCCAGCACTTTGGGAGGCCGAGGCGGGCGGATCACGAGGTCAGGAGATCGAGGCNNNNNNNNNNAAAAAAAAAAAAGAATAATGCCTCCAG, p.Val1500delinsGlyArgAlaArgTrpLeuThrProValIleProAlaLeuTrpGluAlaGluAlaGlyGlySerArgGlyGlnGluIleGluAlaXaaXaaXaaLysLysLysLysGluTer (NM_001354899.2); c.4459_4460insGCCGGGCGCGGTGGCTCACGCCTGTAATCCCAGCACTTTGGGAGGCCGAGGCGGGCGGATCACGAGGTCAGGAGATCGAGGCNNNNNNNNNNAAAAAAAAAAAAGAATAATGCCTCCAG, p.Val1487delinsGlyArgAlaArgTrpLeuThrProValIleProAlaLeuTrpGluAlaGluAlaGlyGlySerArgGlyGlnGluIleGluAlaXaaXaaXaaLysLysLysLysGluTer (NM_001354900.2); c.4405_4406insGCCGGGCGCGGTGGCTCACGCCTGTAATCCCAGCACTTTGGGAGGCCGAGGCGGGCGGATCACGAGGTCAGGAGATCGAGGCNNNNNNNNNNAAAAAAAAAAAAGAATAATGCCTCCAG, p.Val1469delinsGlyArgAlaArgTrpLeuThrProValIleProAlaLeuTrpGluAlaGluAlaGlyGlySerArgGlyGlnGluIleGluAlaXaaXaaXaaLysLysLysLysGluTer (NM_001354901.2); and 5 more.
Identifiers: ClinVar variation 1073762 (VCV001073762.10), dbSNP rs2149917715.